The following is an entry in ClinVar:

NM_015656.2(KIF26A):c.2618G>A (p.Arg873Gln)

Gene: KIF26A (kinesin family member 26A; plus strand). Cytogenetic location: 14q32.33.
Variant type: single nucleotide variant.
Coding change: c.2618G>A on transcript NM_015656.2 (MANE Select); coding-DNA position 2618, G replaced by A.
Protein change: p.Arg873Gln; replaces arginine 873 with glutamine.
Molecular consequence: missense variant.
Genome position (GRCh38, 1-based): chr14:104,175,406, G>A. VCF-style: chr14-104175406-G-A. GRCh37 (hg19) VCF-style: chr14-104641743-G-A.
Other names: short protein forms R873Q.
Identifiers: ClinVar variation 3534294 (VCV003534294.14).

ClinVar aggregate classification (germline): Uncertain significance. Review status: criteria provided, multiple submitters, no conflicts (2 of 4 stars). 2 submissions from 2 submitters: Uncertain significance (2). Last evaluated 2025-01-01.

gnomAD v4.1: 15 of 1,594,382 alleles (0.00094%); highest among the groups gnomAD compares: East Asian, 0.0067%; no homozygotes.

Submissions (2):

CeGaT Center for Human Genetics Tuebingen
Classification: Uncertain significance. Last evaluated: 2025-01-01. Review status: criteria provided, single submitter. Criteria: CeGaT Center For Human Genetics Tuebingen Variant Classification Criteria Version 2. Collection method: clinical testing. Allele origin: germline. Affected: yes. Observed: 1 variant allele.
Comment: KIF26A: PM2:Supporting, BP4

Ambry Genetics
Classification: Uncertain significance. Last evaluated: 2024-09-18. Review status: criteria provided, single submitter. Criteria: Ambry Variant Classification Scheme 2023. Collection method: clinical testing. Allele origin: germline.